The following is an entry in ClinVar:

ClinVar aggregate classification (germline): Uncertain significance (1 of 4 stars; one submission).

Allele frequency attached by ClinVar (database versions not stated): gnomAD exomes below 0.00001; gnomAD 0.00001; TOPMed 0.00001.
gnomAD v4.1: 9 of 1,613,694 alleles (0.00056%); highest among the groups gnomAD compares: East Asian, 0.0022%; no homozygotes.

Submission:

Labcorp Genetics (formerly Invitae), Labcorp
Classification: Uncertain significance. Last evaluated: 2022-10-05. Review status: criteria provided, single submitter. Criteria: Invitae Variant Classification Sherloc (09022015). Collection method: clinical testing. Allele origin: germline.
Comment: This sequence change replaces alanine, which is neutral and non-polar, with proline, which is neutral and non-polar, at codon 1015 of the PCLO protein (p.Ala1015Pro). This variant is present in population databases (no rsID available, gnomAD 0.0009%). This variant has not been reported in the literature in individuals affected with PCLO-related conditions. ClinVar contains an entry for this variant (Variation ID: 1524768). Algorithms developed to predict the effect of missense changes on protein structure and function are either unavailable or do not agree on the potential impact of this missense change (SIFT: "Tolerated"; PolyPhen-2: "Not Available"; Align-GVGD: "Class C0"). In summary, the available evidence is currently insufficient to determine the role of this variant in disease. Therefore, it has been classified as a Variant of Uncertain Significance.

NM_033026.6(PCLO):c.3043G>C (p.Ala1015Pro)

Gene: PCLO (piccolo presynaptic cytomatrix protein; minus strand). Cytogenetic location: 7q21.11.
Variant type: single nucleotide variant.
Coding change: c.3043G>C on transcript NM_033026.6 (MANE Select); coding-DNA position 3043, G replaced by C.
Protein change: p.Ala1015Pro; replaces alanine 1015 with proline.
Molecular consequence: missense variant.
Genome position (GRCh38, 1-based): chr7:83,134,507, C>G on the plus strand (G>C on the coding strand, the complement: PCLO is on the minus strand). VCF-style: chr7-83134507-C-G. GRCh37 (hg19) VCF-style: chr7-82763823-C-G.
Other names: c.3043G>C, p.Ala1015Pro (NM_014510.3); short protein forms A1015P.
Identifiers: ClinVar variation 1524768 (VCV001524768.3), dbSNP rs1356833412, ClinGen allele CA367897842.
Genomic context (GRCh38, chr7:83,134,507, plus strand): 5'-ATTTGCTATCCTTAATAGGTGGTGGCTTTTTTTCTGTTTCTGTTCTTTTTACTGTTGGAG[C>G]TTGTTCAGCTTTGGGCTCTAATTTTTCAGCTGCTGGGGCTTTTGTTTCCTTTTTCACAGG-3'
Protein context (NP_149015.2, residues 1005-1025): AEKLEPKAEQ[Ala1015Pro]PTVKRTETEK